The following is an entry in ClinVar:

ClinVar aggregate classification (germline): Pathogenic. Review status: reviewed by expert panel (3 of 4 stars). 14 submissions from 14 submitters: Pathogenic (1). 13 of the submissions do not count toward it. Last evaluated 2025-12-05.

Conditions:
Retinal dystrophy. Also called: Inherited retinal dystrophy. Identifiers: Orphanet 71862, MedGen C0854723, MeSH D058499, MONDO:0019118, HP:0000556.
ABCA4-related retinopathy. Also called: ABCA4-related retinoapthy; ABCA4 retinoapthy. Identifiers: MedGen CN322612, MONDO:0800406.
ABCA4-related disorder. Also called: ABCA4-related condition; ABCA4-related disorders. Identifiers: MedGen CN239167.
Severe early-childhood-onset retinal dystrophy (STGD1). Also called: Stargardt macular dystrophy; Juvenile onset macular degeneration; Stargardt disease 1; STGD; MACULAR DYSTROPHY WITH FLECKS, TYPE 1. Identifiers: Orphanet 364055, Orphanet 827, MedGen C1855465, MeSH D000080362, MONDO:0009549, OMIM 248200.
Bietti crystalline corneoretinal dystrophy (BCD). Also called: Bietti Crystalline Dystrophy; BIETTI TAPETORETINAL DEGENERATION WITH MARGINAL CORNEAL DYSTROPHY. Identifiers: Orphanet 41751, MedGen C1859486, MONDO:0008865, OMIM 210370.

Submissions (14):

ClinGen ABCA4 Variant Curation Expert Panel, Clingen
Classification: Pathogenic for ABCA4-related retinopathy. Last evaluated: 2025-12-05. Review status: reviewed by expert panel. Criteria: ClinGen ABCA4 ACMG Specifications V1.0.0. Collection method: curation. Allele origin: germline. Inheritance: Autosomal recessive inheritance.
Comment: The NM_000350.3:c.3210_3211dup (p.Ser1071CysfsTer14) variant in ABCA4 is a frameshift variant predicted to cause a premature stop codon in biologically relevant exon 22/50 leading to nonsense mediated decay in a gene in which loss-of-function is an established disease mechanism (PVS1). The total minor allele frequency in gnomAD v4.1.0 is 0.00003965 (64/1614056 alleles), which is lower than the ClinGen ABCA4 VCEP’s threshold for PM2_Supporting (<0.0001). The prevalence of the variant in affected individuals is significantly increased compared with the prevalence in controls with an OR of 251.5 and the CI is 82.07-1297.41, which is above the ABCA4 VCEP threshold of ≥5, where the CI does not contain 1 (PS4; PMID: 35120629). In summary, this variant meets the criteria to be classified as pathogenic for ABCA4-related retinopathy based on the ACMG/AMP criteria applied, as specified by the ClinGen ABCA4 VCEP (Specification Version 1.0): PVS1, PS4, PM2_Supporting.

PreventionGenetics, part of Exact Sciences
Classification: Pathogenic for ABCA4-related condition. Last evaluated: 2026-04-23. Review status: criteria provided, single submitter. Criteria: ACMG Guidelines, 2015. Collection method: clinical testing. Allele origin: germline. Not counted in ClinVar's aggregate classification.
Comment: The ABCA4 c.3210_3211dupGT variant is predicted to result in a frameshift and premature protein termination (p.Ser1071Cysfs*14). This variant has been reported many times as causative for autosomal recessive Stargardt disease (see for examples Allikmets et al. 1997. PubMed ID: 9054934; Eisenberger et al. 2013. PubMed ID: 24265693; Porto et al. 2017. PubMed ID: 29186038). This variant is reported in 0.0035% of alleles in individuals of European (Non-Finnish) descent in gnomAD. Frameshift variants in ABCA4 are expected to be pathogenic. This variant is interpreted as pathogenic.

Labcorp Genetics (formerly Invitae), Labcorp
Classification: Pathogenic. Last evaluated: 2026-01-25. Review status: criteria provided, single submitter. Criteria: Invitae Variant Classification Sherloc (09022015). Collection method: clinical testing. Allele origin: germline. Not counted in ClinVar's aggregate classification.
Comment: This sequence change creates a premature translational stop signal (p.Ser1071Cysfs*14) in the ABCA4 gene. It is expected to result in an absent or disrupted protein product. Loss-of-function variants in ABCA4 are known to be pathogenic (PMID: 10958761, 24938718, 25312043, 26780318). This variant is present in population databases (rs387906385, gnomAD 0.004%). This premature translational stop signal has been observed in individual(s) with retinal disease including early onset severe retinal dystrophy, autosomal recessive retinitis pigmentosa, and Stargardt disease (PMID: 23755871, 29186038). In at least one individual the data is consistent with being in trans (on the opposite chromosome) from a pathogenic variant. This variant is also known as c.3211_3212insGT. ClinVar contains an entry for this variant (Variation ID: 372290). For these reasons, this variant has been classified as Pathogenic.

CeGaT Center for Human Genetics Tuebingen
Classification: Pathogenic. Last evaluated: 2025-01-01. Review status: criteria provided, single submitter. Criteria: CeGaT Center For Human Genetics Tuebingen Variant Classification Criteria Version 2. Collection method: clinical testing. Allele origin: germline. Affected: yes. Observed: 5 variant alleles. Not counted in ClinVar's aggregate classification.
Comment: ABCA4: PM3:Very Strong, PVS1, PM2

Blueprint Genetics
Classification: Pathogenic for ABCA4-related disorders. Last evaluated: 2024-11-26. Review status: criteria provided, single submitter. Criteria: ACMG Guidelines, 2015. Collection method: clinical testing. Allele origin: germline. Affected: yes. Observed: 5 variant alleles. Not counted in ClinVar's aggregate classification.

3billion
Classification: Pathogenic for ABCA4-related disorder. Last evaluated: 2024-06-08. Review status: criteria provided, single submitter. Criteria: ACMG Guidelines, 2015. Collection method: clinical testing. Allele origin: germline. Affected: yes. Not counted in ClinVar's aggregate classification.
Comment: The variant is observed at an extremely low frequency in the gnomAD v4.0.0 dataset (total allele frequency: 0.004%). Predicted Consequence/Location: Frameshift: predicted to result in a loss or disruption of normal protein function through nonsense-mediated decay (NMD) or protein truncation. Multiple pathogenic variants are reported downstream of the variant. The variant has been reported at least twice as pathogenic with clinical assertions and evidence for the classification (ClinVar ID: VCV000372290 /PMID: 9054934). Therefore, this variant is classified as Pathogenic according to the recommendation of ACMG/AMP guideline.

Institute of Human Genetics, Univ. Regensburg, Univ. Regensburg
Classification: Pathogenic for Retinal dystrophy. Last evaluated: 2023-01-01. Review status: criteria provided, single submitter. Criteria: ACMG Guidelines, 2015. Collection method: clinical testing. Allele origin: germline. Affected: yes. Not counted in ClinVar's aggregate classification.

GeneDx
Classification: Pathogenic. Last evaluated: 2021-10-25. Review status: criteria provided, single submitter. Criteria: GeneDx Variant Classification Process June 2021. Collection method: clinical testing. Allele origin: germline. Affected: yes. Not counted in ClinVar's aggregate classification.
Comment: Frameshift variant predicted to result in protein truncation or nonsense mediated decay in a gene for which loss-of-function is a known mechanism of disease; Not observed at a significant frequency in large population cohorts (Lek et al., 2016); This variant is associated with the following publications: (PMID: 23755871, 11527935, 9054934, 29555955, 24265693, 29186038, 28041643, 29925512, 30718709, 30798147, 32581362)

Institute of Medical Molecular Genetics, University of Zurich
Classification: Likely pathogenic for Severe early-childhood-onset retinal dystrophy. Last evaluated: 2021-01-30. Review status: criteria provided, single submitter. Criteria: ACMG Guidelines, 2015. Collection method: clinical testing. Allele origin: unknown. Affected: yes. Not counted in ClinVar's aggregate classification.

Revvity Omics, Revvity
Classification: Pathogenic. Last evaluated: 2020-03-31. Review status: criteria provided, single submitter. Criteria: ACMG Guidelines, 2015. Collection method: clinical testing. Allele origin: germline. Not counted in ClinVar's aggregate classification.

Mendelics
Classification: Pathogenic for Severe early-childhood-onset retinal dystrophy. Last evaluated: 2019-05-28. Review status: criteria provided, single submitter. Criteria: Mendelics Assertion Criteria 2017. Collection method: clinical testing. Allele origin: unknown. Not counted in ClinVar's aggregate classification.

Department of Clinical Genetics, Copenhagen University Hospital, Rigshospitalet
Classification: Pathogenic for Bietti crystalline corneoretinal dystrophy. Last evaluated: 2018-04-01. Review status: no assertion criteria provided. Collection method: research. Allele origin: unknown. Affected: yes. Study: VeluxRD. Not counted in ClinVar's aggregate classification.

NIHR Bioresource Rare Diseases, University of Cambridge
Classification: Pathogenic. Last evaluated: 2015-01-01. Review status: no assertion criteria provided. Collection method: research. Allele origin: unknown. Affected: yes. Observed: 1 variant allele. Not counted in ClinVar's aggregate classification.

Ophthalmo-Genetics Lab, Instituto de Oftalmologia Conde de Valenciana
Classification: Pathogenic for Severe early-childhood-onset retinal dystrophy. Review status: no assertion criteria provided. Collection method: research. Allele origin: germline. Inheritance: Autosomal recessive inheritance. Affected: yes. Not counted in ClinVar's aggregate classification.

Literature cited by the submitters: PubMed 10958761 (cited by Labcorp Genetics (formerly Invitae), Labcorp); PubMed 24938718 (cited by Labcorp Genetics (formerly Invitae), Labcorp); PubMed 25312043 (cited by Labcorp Genetics (formerly Invitae), Labcorp); PubMed 26780318 (cited by Labcorp Genetics (formerly Invitae), Labcorp); PubMed 23755871 (cited by Labcorp Genetics (formerly Invitae), Labcorp); PubMed 29186038 (cited by Labcorp Genetics (formerly Invitae), Labcorp); PubMed 9054934 (cited by 3billion and NIHR Bioresource Rare Diseases, University of Cambridge); PubMed 30718709 (cited by Department of Clinical Genetics, Copenhagen University Hospital, Rigshospitalet); PubMed 28041643 (cited by NIHR Bioresource Rare Diseases, University of Cambridge); PubMed 30798147 (cited by Ophthalmo-Genetics Lab, Instituto de Oftalmologia Conde de Valenciana).

NM_000350.3(ABCA4):c.3210_3211dup (p.Ser1071fs)

Gene: ABCA4 (ATP binding cassette subfamily A member 4; minus strand). Cytogenetic location: 1p22.1.
Variant type: Duplication.
Coding change: c.3210_3211dup on transcript NM_000350.3 (MANE Select); coding-DNA positions 3210 to 3211, 2 bases duplicated (GT; older notation c.3210_3211dupGT).
Protein change: p.Ser1071fs; shifts the reading frame from serine 1071.
Molecular consequence: frameshift variant.
Genome position (GRCh38, 1-based): chr1:94,042,878-94,042,879, AC duplicated on the plus strand (GT on the coding strand, the reverse complement: ABCA4 is on the minus strand); duplicating any 2 consecutive bases within chr1:94,042,878-94,042,880 gives the same sequence; the c. name uses the placement nearest the transcript's 3' end. VCF-style (leftmost placement, unchanged base first): chr1-94042877-G-GAC. GRCh37 (hg19) VCF-style: chr1-94508433-G-GAC.
Other names: NM_000350.3(ABCA4):c.3210_3211dup; p.Ser1071fs; c.2987_2988dup, p.Ser997Cysfs (NM_001425324.1); short protein forms S1071fs.
Identifiers: ClinVar variation 372290 (VCV000372290.66), dbSNP rs387906385, ClinGen allele CA958005.
Genomic context (GRCh38, chr1:94,042,877, plus strand): 5'-CCAGAGGTGGGTTCGTCCAGAATCACCACCTTGGCATCTCCCACAAAGGCAATGGCAACC[G>GAC]ACAGCTTTCTCTGCATGCCACCTGGAGGCACAAGAAGGACGGGAGAGTTAAGGGGCTGTG-3'